The following is an entry in ClinVar:

ClinVar aggregate classification (germline): Pathogenic (1 of 4 stars; one submission).

Conditions:
Glycogen storage disease, type II (IOPD). Also called: Glucosidase acid-1,4-alpha deficiency; Pompe Disease; CARDIOMEGALIA GLYCOGENICA DIFFUSA; GLYCOGENOSIS, GENERALIZED, CARDIAC FORM; GSD II; Glycogen storage disease type 2. Identifiers: Orphanet 365, MedGen C0017921, MONDO:0009290, OMIM 232300.

Submission:

Genomenon, Inc
Classification: Pathogenic for Glycogen storage disease, type II. Last evaluated: 2026-07-01. Review status: criteria provided, single submitter. Criteria: Genomenon Sequence Variant Interpretation Standards - Updated. Collection method: curation. Allele origin: germline. Affected: yes.
Comment: GAA p.Trp613Ter (c.1839G>A) is a nonsense variant that introduces a premature stop codon at amino acid position 613 and is predicted to result in a truncated or absent protein product. This variant has been observed in at least one proband with a GAA-related disorder (PMID:39010129;33073003). It is absent or not present at a significant frequency in gnomAD. In conclusion, we classify GAA p.Trp613Ter (c.1839G>A) as a pathogenic variant.

Literature cited by the submitters: PubMed 39010129; PubMed 33073003.

NM_000152.5(GAA):c.1839G>A (p.Trp613Ter)

Gene: GAA (alpha glucosidase; plus strand). Cytogenetic location: 17q25.3.
Variant type: single nucleotide variant.
Coding change: c.1839G>A on transcript NM_000152.5 (MANE Select); coding-DNA position 1839, G replaced by A.
Protein change: p.Trp613Ter; replaces tryptophan 613 with a stop codon.
Molecular consequence: nonsense.
Genome position (GRCh38, 1-based): chr17:80,112,662, G>A. VCF-style: chr17-80112662-G-A. GRCh37 (hg19) VCF-style: chr17-78086461-G-A.
Other names: c.1839G>A, p.Trp613Ter (NM_001079803.3, NM_001079804.3, NM_001406741.1 and 1 more transcripts); short protein forms W613*.
Identifiers: ClinVar variation 4876316 (VCV004876316.2).